The following is an entry in ClinVar:

NM_001083961.2(WDR62):c.2426A>G (p.Glu809Gly)

Gene: WDR62 (WD repeat domain 62; plus strand). Cytogenetic location: 19q13.12.
Variant type: single nucleotide variant.
Coding change: c.2426A>G on transcript NM_001083961.2 (MANE Select); coding-DNA position 2426, A replaced by G.
Protein change: p.Glu809Gly; replaces glutamic acid 809 with glycine.
Molecular consequence: missense variant.
Genome position (GRCh38, 1-based): chr19:36,094,123, A>G. VCF-style: chr19-36094123-A-G. GRCh37 (hg19) VCF-style: chr19-36585025-A-G.
Other names: c.2411A>G, p.Glu804Gly (NM_001411145.1); c.2426A>G, p.Glu809Gly (NM_001411146.1, NM_173636.5); c.2075A>G, p.Glu692Gly (NM_001411147.1); short protein forms E809G, E804G, E692G.
Identifiers: ClinVar variation 2125729 (VCV002125729.4), dbSNP rs1972806518, ClinGen allele CA405445714.

ClinVar aggregate classification (germline): Uncertain significance (1 of 4 stars; one submission).

Allele frequency attached by ClinVar (database versions not stated): TOPMed below 0.00001.

Submission:

Labcorp Genetics (formerly Invitae), Labcorp
Classification: Uncertain significance. Last evaluated: 2022-04-12. Review status: criteria provided, single submitter. Criteria: Invitae Variant Classification Sherloc (09022015). Collection method: clinical testing. Allele origin: germline.
Comment: In summary, the available evidence is currently insufficient to determine the role of this variant in disease. Therefore, it has been classified as a Variant of Uncertain Significance. Algorithms developed to predict the effect of sequence changes on RNA splicing suggest that this variant may disrupt the consensus splice site. Algorithms developed to predict the effect of missense changes on protein structure and function are either unavailable or do not agree on the potential impact of this missense change (SIFT: "Deleterious"; PolyPhen-2: "Benign"; Align-GVGD: "Class C0"). This variant has not been reported in the literature in individuals affected with WDR62-related conditions. This variant is not present in population databases (gnomAD no frequency). This sequence change replaces glutamic acid, which is acidic and polar, with glycine, which is neutral and non-polar, at codon 809 of the WDR62 protein (p.Glu809Gly).